The following is an entry in ClinVar:

NM_207361.6(FREM2):c.1844_1846delinsTTT (p.Thr615_His616delinsIleTyr)

Gene: FREM2 (FRAS1 related extracellular matrix 2; plus strand). Cytogenetic location: 13q13.3.
Variant type: Indel.
Coding change: c.1844_1846delinsTTT on transcript NM_207361.6 (MANE Select); coding-DNA positions 1844 to 1846, CTC replaced by TTT.
Protein change: p.Thr615_His616delinsIleTyr.
Molecular consequence: missense variant.
Genome position (GRCh38, 1-based): chr13:38,689,188-38,689,190, CTC replaced by TTT. VCF-style: chr13-38689188-CTC-TTT. GRCh37 (hg19) VCF-style: chr13-39263325-CTC-TTT.
Identifiers: ClinVar variation 3375580 (VCV003375580.1).
Genomic context (GRCh38, chr13:38,689,188, plus strand): 5'-TGCTGCTTTTTGTGCTGGAGTCACCCTTCTTAACTACGGGGCATCTGCTTCTCCGCCAAA[CTC>TTT]ACCCTCCCCATGAGAAGCAGGAACTTCTCAGAGGCCTTTGGAGGAAGGAGGGGGCATTTT-3'

ClinVar aggregate classification (germline): Uncertain significance (1 of 4 stars; one submission).

Submission:

GeneDx
Classification: Uncertain significance. Last evaluated: 2024-05-07. Review status: criteria provided, single submitter. Criteria: GeneDx Variant Classification Process June 2021. Collection method: clinical testing. Allele origin: germline. Affected: yes.
Comment: Not observed at significant frequency in large population cohorts (gnomAD); In silico analysis indicates that this variant does not alter protein structure/function; Has not been previously published as pathogenic or benign to our knowledge